The following is an entry in ClinVar:

NM_001394998.1(TANC2):c.3632T>G (p.Leu1211Arg)

Genes: TANC2 (tetratricopeptide repeat, ankyrin repeat and coiled-coil containing 2; plus strand), LOC105371856 (uncharacterized LOC105371856; minus strand). Cytogenetic location: 17q23.3.
Variant type: single nucleotide variant.
Coding change: c.3632T>G on transcript NM_001394998.1 (MANE Select); coding-DNA position 3632, T replaced by G.
Protein change: p.Leu1211Arg; replaces leucine 1211 with arginine.
Molecular consequence: missense variant.
Genome position (GRCh38, 1-based): chr17:63,411,553, T>G. VCF-style: chr17-63411553-T-G. GRCh37 (hg19) VCF-style: chr17-61488914-T-G.
Other names: c.3410T>G, p.Leu1137Arg (NM_001411076.1, NM_025185.4); short protein forms L1137R, L1211R.
Identifiers: ClinVar variation 3366793 (VCV003366793.1).

ClinVar aggregate classification (germline): Uncertain significance (1 of 4 stars; one submission).

Submission:

Women's Health and Genetics/Laboratory Corporation of America, LabCorp
Classification: Uncertain significance. Last evaluated: 2024-08-30. Review status: criteria provided, single submitter. Criteria: LabCorp Variant Classification Summary - May 2015. Collection method: clinical testing. Allele origin: germline.
Comment: Variant summary: TANC2 c.3410T>G (p.Leu1137Arg) results in a non-conservative amino acid change in the encoded protein sequence. Five of five in-silico tools predict a damaging effect of the variant on protein function. The variant was absent in 248634 control chromosomes. The available data on variant occurrences in the general population are insufficient to allow any conclusion about variant significance. To our knowledge, no occurrence of c.3410T>G in individuals affected with Intellectual Developmental Disorder With Autistic Features And Language Delay, With Or Without Seizures and no experimental evidence demonstrating its impact on protein function have been reported. No submitters have cited clinical-significance assessments for this variant to ClinVar. Based on the evidence outlined above, the variant was classified as uncertain significance.